The following is an entry in ClinVar:

NM_025114.4(CEP290):c.4840G>T (p.Val1614Phe)

Gene: CEP290 (centrosomal protein 290; minus strand). Cytogenetic location: 12q21.32.
Variant type: single nucleotide variant.
Coding change: c.4840G>T on transcript NM_025114.4 (MANE Select); coding-DNA position 4840, G replaced by T.
Protein change: p.Val1614Phe; replaces valine 1614 with phenylalanine.
Molecular consequence: missense variant.
Genome position (GRCh38, 1-based): chr12:88,083,203, C>A on the plus strand (G>T on the coding strand, the complement: CEP290 is on the minus strand). VCF-style: chr12-88083203-C-A. GRCh37 (hg19) VCF-style: chr12-88476980-C-A.
Other names: c.4840G>T (NM_025114.3); short protein forms V1614F.
Identifiers: ClinVar variation 2027785 (VCV002027785.2), dbSNP rs147714205, ClinGen allele CA385993024.
Genomic context (GRCh38, chr12:88,083,203, plus strand): 5'-CTTGTTCTGCTACTGTCTGTTCCATCTCAGCCAGACGAATAAAATGCTTGTTGGTAGGAA[C>A]TGGAGTGGGAGACTGTTTCATTAAATCCTATAAAATATGAATATATTAGCAATAGGCATG-3'
Protein context (NP_079390.3, residues 1604-1624): WDLMKQSPTP[Val1614Phe]PTNKHFIRLA

ClinVar aggregate classification (germline): Uncertain significance. Review status: criteria provided, multiple submitters, no conflicts (2 of 4 stars). 2 submissions from 2 submitters: Uncertain significance (2). Last evaluated 2025-12-02.

Conditions:
Inborn genetic diseases. Identifiers: MedGen C0950123, MeSH D030342.
Joubert syndrome. Also called: CEREBELLOPARENCHYMAL DISORDER IV; JOUBERT-BOLTSHAUSER SYNDROME; Familial aplasia of the vermis. Identifiers: Orphanet 475, MedGen C5979921, MONDO:0018772.
Meckel-Gruber syndrome. Also called: DYSENCEPHALIA SPLANCHNOCYSTICA; GRUBER SYNDROME; Dysencephalia splachnocystica. Identifiers: Orphanet 564, MedGen C0265215, MONDO:0018921.
Nephronophthisis. Also called: Juvenile Nephronophthisis. Identifiers: Orphanet 655, MedGen C0687120, MONDO:0019005, HP:0000090.

Submissions (2):

Ambry Genetics
Classification: Uncertain significance for Inborn genetic diseases. Last evaluated: 2025-12-02. Review status: criteria provided, single submitter. Criteria: Ambry Variant Classification Scheme 2023. Collection method: clinical testing. Allele origin: germline.

Labcorp Genetics (formerly Invitae), Labcorp
Classification: Uncertain significance for Joubert syndrome; Meckel-Gruber syndrome; Nephronophthisis. Last evaluated: 2022-06-08. Review status: criteria provided, single submitter. Criteria: Invitae Variant Classification Sherloc (09022015). Collection method: clinical testing. Allele origin: germline.
Comment: This sequence change replaces valine, which is neutral and non-polar, with phenylalanine, which is neutral and non-polar, at codon 1614 of the CEP290 protein (p.Val1614Phe). This variant is not present in population databases (gnomAD no frequency). This variant has not been reported in the literature in individuals affected with CEP290-related conditions. Algorithms developed to predict the effect of missense changes on protein structure and function are either unavailable or do not agree on the potential impact of this missense change (SIFT: "Deleterious"; PolyPhen-2: "Probably Damaging"; Align-GVGD: "Class C0"). In summary, the available evidence is currently insufficient to determine the role of this variant in disease. Therefore, it has been classified as a Variant of Uncertain Significance.